The following is an entry in ClinVar:

NM_000368.5(TSC1):c.859C>T (p.His287Tyr)

Gene: TSC1 (TSC complex subunit 1; minus strand). Cytogenetic location: 9q34.13.
Variant type: single nucleotide variant.
Coding change: c.859C>T on transcript NM_000368.5 (MANE Select); coding-DNA position 859, C replaced by T.
Protein change: p.His287Tyr; replaces histidine 287 with tyrosine.
Molecular consequence: missense variant.
Genome position (GRCh38, 1-based): chr9:132,912,336, G>A on the plus strand (C>T on the coding strand, the complement: TSC1 is on the minus strand). VCF-style: chr9-132912336-G-A. GRCh37 (hg19) VCF-style: chr9-135787723-G-A.
Other names: c.859C>T, p.His287Tyr (NM_001162426.2); c.859C>T (NM_000368.4); c.706C>T, p.His236Tyr (NM_001162427.2); c.496C>T, p.His166Tyr (NM_001362177.2); short protein forms H166Y, H236Y, H287Y.
Identifiers: ClinVar variation 1020993 (VCV001020993.9), dbSNP rs1278022127, ClinGen allele CA375369209.
Genomic context (GRCh38, chr9:132,912,336, plus strand): 5'-TTTTACCATAGCTATTCTGTGTGTCAGCATAAGGGCTGGTGGTGACATCGGCTGAACGAT[G>A]AGGAAAGCGGGCTGAGATTTGGTGAGACACAGAATAGCCATCTTCATATGAGGCTTCTGT-3'
Protein context (NP_000359.1, residues 277-297): VSHQISARFP[His287Tyr]RSADVTTSPY

ClinVar aggregate classification (germline): Conflicting classifications of pathogenicity. Review status: criteria provided, conflicting classifications (1 of 4 stars). 2 submissions from 2 submitters: Uncertain significance (1); Benign (1). Last evaluated 2024-12-15.

Conditions:
Hereditary cancer-predisposing syndrome. Also called: Hereditary neoplastic syndrome; Neoplastic Syndromes, Hereditary; Tumor predisposition; Hereditary Cancer Syndrome. Identifiers: Orphanet 140162, MedGen C0027672, MeSH D009386, MONDO:0015356.
Tuberous sclerosis 1 (TSC1). Identifiers: Orphanet 805, MedGen C1854465, MONDO:0008612, OMIM 191100.

Allele frequency attached by ClinVar (database versions not stated): gnomAD exomes below 0.00001; TOPMed below 0.00001; gnomAD 0.00001.

Submissions (2):

Ambry Genetics
Classification: Uncertain significance for Hereditary cancer-predisposing syndrome. Last evaluated: 2024-12-15. Review status: criteria provided, single submitter. Criteria: Ambry Variant Classification Scheme 2023. Collection method: clinical testing. Allele origin: germline.
Comment: The p.H287Y variant (also known as c.859C>T), located in coding exon 7 of the TSC1 gene, results from a C to T substitution at nucleotide position 859. The histidine at codon 287 is replaced by tyrosine, an amino acid with similar properties. This amino acid position is conserved. In addition, this alteration is predicted to be tolerated by in silico analysis. Based on the available evidence, the clinical significance of this variant remains unclear.

Labcorp Genetics (formerly Invitae), Labcorp
Classification: Benign for Tuberous sclerosis 1. Last evaluated: 2023-12-01. Review status: criteria provided, single submitter. Criteria: Invitae Variant Classification Sherloc (09022015). Collection method: clinical testing. Allele origin: germline.